The following is an entry in ClinVar:

ClinVar aggregate classification (germline): Uncertain significance (1 of 4 stars; one submission).

gnomAD v4.1: 39 of 1,440,782 alleles (0.0027%); highest among the groups gnomAD compares: African/African-American, 0.046%; no homozygotes.

Submission:

Dasa
Classification: Uncertain significance. Last evaluated: 2025-11-25. Review status: criteria provided, single submitter. Criteria: DASA Assertion Criteria. Collection method: clinical testing. Allele origin: germline.
Comment: NM_001394966.1(NEK10):c.2090+6G>A is a splice-region variant. This variant is rare in population databases. Computational prediction algorithms are consistent with a benign effect. The currently available literature and clinical evidence are not sufficient to establish a definitive association between this variant and the reported condition. Therefore, this variant is classified as a variant of uncertain significance.

NM_001394966.1(NEK10):c.2090+6G>A

Gene: NEK10 (NIMA related kinase 10; minus strand). Cytogenetic location: 3p24.1.
Variant type: single nucleotide variant.
Coding change: c.2090+6G>A on transcript NM_001394966.1 (MANE Select); 6 bases into the intron after coding-DNA position 2090, G replaced by A.
Molecular consequence: intron variant.
Genome position (GRCh38, 1-based): chr3:27,256,290, C>T on the plus strand (G>A on the coding strand, the complement: NEK10 is on the minus strand). VCF-style: chr3-27256290-C-T. GRCh37 (hg19) VCF-style: chr3-27297781-C-T.
Other names: c.2003+6G>A (NM_001394969.1, NM_001394967.1, NM_001394964.1); c.2090+6G>A (NM_001394965.1, NM_001394963.1, NM_001394970.1 and 3 more transcripts); c.1973+6G>A (NM_001394968.1).
Identifiers: ClinVar variation 4882193 (VCV004882193.2).
Genomic context (GRCh38, chr3:27,256,290, plus strand): 5'-TAATATAAATGAAAGCCTAAATCAGTTAAGTATGATGTTTGAGAGCCATAAAAGAATTGT[C>T]CTTACCAAGAATACAGGATTGTTCCAACCACAGAGGTGAGTTTACTGTTTTCTTGTTTTT-3'